The following is an entry in ClinVar:

ClinVar aggregate classification (germline): Likely benign (1 of 4 stars; one submission).

Allele frequency attached by ClinVar (database versions not stated): gnomAD exomes 0.00034 and 0.00099; ExAC 0.00119; 1000 Genomes Project 0.00359; 1000 Genomes Project 30x 0.00359; gnomAD 0.00367 and 0.00402; TOPMed 0.00407; ESP Exome Variant Server 0.00600.
gnomAD v4.1: 1,035 of 1,463,388 alleles (0.071%); highest among the groups gnomAD compares: African/African-American, 1.3%; 7 homozygotes.

Submission:

GeneDx
Classification: Likely benign. Last evaluated: 2018-06-14. Review status: criteria provided, single submitter. Criteria: GeneDx Variant Classification (06012015). Collection method: clinical testing. Allele origin: germline. Affected: yes.
Comment: This variant is considered likely benign or benign based on one or more of the following criteria: it is a conservative change, it occurs at a poorly conserved position in the protein, it is predicted to be benign by multiple in silico algorithms, and/or has population frequency not consistent with disease.

NM_213649.2(SFXN4):c.733-50G>T

Gene: SFXN4 (sideroflexin 4; minus strand). Cytogenetic location: 10q26.11.
Variant type: single nucleotide variant.
Coding change: c.733-50G>T on transcript NM_213649.2 (MANE Select); 50 bases into the intron before coding-DNA position 733, G replaced by T.
Molecular consequence: intron variant.
Genome position (GRCh38, 1-based): chr10:119,147,910, C>A on the plus strand (G>T on the coding strand, the complement: SFXN4 is on the minus strand). VCF-style: chr10-119147910-C-A. GRCh37 (hg19) VCF-style: chr10-120907422-C-A.
Identifiers: ClinVar variation 681108 (VCV000681108.1), dbSNP rs140263330, ClinGen allele CA5714415.